The following is an entry in ClinVar:

ClinVar aggregate classification (germline): Uncertain significance. Review status: criteria provided, multiple submitters, no conflicts (2 of 4 stars). 2 submissions from 2 submitters: Uncertain significance (2). Last evaluated 2024-09-11.

Conditions:
Inborn genetic diseases. Identifiers: MedGen C0950123, MeSH D030342.
Alpha-methylacyl-CoA racemase deficiency (AMACRD). Also called: AMACR deficiency. Identifiers: Orphanet 79095, MedGen C3280428, MONDO:0013681, OMIM 614307. Disease mechanism: loss of function.

Allele frequency attached by ClinVar (database versions not stated): ExAC 0.00001; gnomAD 0.00001; TOPMed 0.00002; gnomAD exomes 0.00007.

Submissions (2):

Ambry Genetics
Classification: Uncertain significance for Inborn genetic diseases. Last evaluated: 2024-09-11. Review status: criteria provided, single submitter. Criteria: Ambry Variant Classification Scheme 2023. Collection method: clinical testing. Allele origin: germline.

Labcorp Genetics (formerly Invitae), Labcorp
Classification: Uncertain significance for Alpha-methylacyl-CoA racemase deficiency. Last evaluated: 2023-08-30. Review status: criteria provided, single submitter. Criteria: Invitae Variant Classification Sherloc (09022015). Collection method: clinical testing. Allele origin: germline.
Comment: In summary, the available evidence is currently insufficient to determine the role of this variant in disease. Therefore, it has been classified as a Variant of Uncertain Significance. Advanced modeling of protein sequence and biophysical properties (such as structural, functional, and spatial information, amino acid conservation, physicochemical variation, residue mobility, and thermodynamic stability) performed at Invitae indicates that this missense variant is not expected to disrupt AMACR protein function. ClinVar contains an entry for this variant (Variation ID: 2178040). This variant has not been reported in the literature in individuals affected with AMACR-related conditions. This variant is present in population databases (rs758553398, gnomAD 0.004%). This sequence change replaces isoleucine, which is neutral and non-polar, with valine, which is neutral and non-polar, at codon 180 of the AMACR protein (p.Ile180Val).

NM_014324.6(AMACR):c.538A>G (p.Ile180Val)

Genes: AMACR (alpha-methylacyl-CoA racemase; minus strand), C1QTNF3-AMACR (C1QTNF3-AMACR readthrough (NMD candidate); minus strand). Cytogenetic location: 5p13.2.
Variant type: single nucleotide variant.
Coding change: c.538A>G on transcript NM_014324.6 (MANE Select); coding-DNA position 538, A replaced by G.
Protein change: p.Ile180Val; replaces isoleucine 180 with valine.
Molecular consequence: missense variant. On other transcripts: intron variant (1).
Genome position (GRCh38, 1-based): chr5:34,004,588, T>C on the plus strand (A>G on the coding strand, the complement: AMACR is on the minus strand). VCF-style: chr5-34004588-T-C. GRCh37 (hg19) VCF-style: chr5-34004693-T-C.
Other names: c.538A>G (NM_014324.5); c.538A>G, p.Ile180Val (NM_001167595.2); c.391+1168A>G (NM_203382.3); short protein forms I180V.
Identifiers: ClinVar variation 2178040 (VCV002178040.3), dbSNP rs758553398, ClinGen allele CA3226184.
Genomic context (GRCh38, chr5:34,004,588, plus strand): 5'-TAAACTTAGGGACAAGTGGCAGGCATCTACCCCAATTAATACTTACCATATTTGCATCAA[T>C]GACCTGACCCTTGCCAGTGCGTGTGCGGTCAAAAAGAGCCATTATAATGCCCAGTGCACA-3'
Protein context (NP_055139.4, residues 170-190): DRTRTGKGQV[Ile180Val]DANMVEGTAY